The following is an entry in ClinVar:

ClinVar aggregate classification (germline): Likely pathogenic (1 of 4 stars; one submission).

Conditions:
Tatton-Brown-Rahman overgrowth syndrome. Also called: Tall stature-intellectual disability-facial dysmorphism syndrome; Tatton-Brown-Rahman syndrome. Identifiers: Orphanet 404443, MedGen C4014545, MONDO:0014382, OMIM 615879.

Submission:

MGZ Medical Genetics Center
Classification: Likely pathogenic for Tatton-Brown-Rahman overgrowth syndrome. Last evaluated: 2022-04-29. Review status: criteria provided, single submitter. Criteria: ACMG Guidelines, 2015. Collection method: clinical testing. Allele origin: germline. Affected: yes. Observed: 1 variant allele.
Comment: ACMG criteria applied: PM5, PS3_SUP, PM2_SUP, PP2, PP3

NM_022552.5(DNMT3A):c.2311C>G (p.Arg771Gly)

Gene: DNMT3A (DNA methyltransferase 3 alpha; minus strand). Cytogenetic location: 2p23.3.
Variant type: single nucleotide variant.
Coding change: c.2311C>G on transcript NM_022552.5 (MANE Select); coding-DNA position 2311, C replaced by G.
Protein change: p.Arg771Gly; replaces arginine 771 with glycine.
Molecular consequence: missense variant. On other transcripts: non-coding transcript variant (1).
Genome position (GRCh38, 1-based): chr2:25,240,313, G>C on the plus strand (C>G on the coding strand, the complement: DNMT3A is on the minus strand). VCF-style: chr2-25240313-G-C. GRCh37 (hg19) VCF-style: chr2-25463182-G-C.
Other names: c.1855C>G, p.Arg619Gly (NM_001320893.1); c.1642C>G, p.Arg548Gly (NM_001375819.1); c.1744C>G, p.Arg582Gly (NM_153759.3); c.2311C>G, p.Arg771Gly (NM_175629.2); short protein forms R548G, R582G, R619G, R771G.
Identifiers: ClinVar variation 1709413 (VCV001709413.2), dbSNP rs779626155, ClinGen allele CA346069644.
Genomic context (GRCh38, chr2:25,240,313, plus strand): 5'-AAGGTAGAAGCCATTAGTGAGCTGGCCAAACCAAGGTTGCTGGCTATACCTCGAGAAATC[G>C]CGAGATGTCCCTCTTGTCACTAACGCCCATGGCCACCACATTCTCAAAGAGCCAGAAGAA-3'
Protein context (NP_072046.2, residues 761-781): MGVSDKRDIS[Arg771Gly]FLESNPVMID